The following is an entry in ClinVar:

NM_015629.4(PRPF31):c.621T>G (p.Tyr207Ter)

Gene: PRPF31 (pre-mRNA processing factor 31; plus strand). Cytogenetic location: 19q13.42.
Variant type: single nucleotide variant.
Coding change: c.621T>G on transcript NM_015629.4 (MANE Select); coding-DNA position 621, T replaced by G.
Protein change: p.Tyr207Ter; replaces tyrosine 207 with a stop codon.
Molecular consequence: nonsense.
Genome position (GRCh38, 1-based): chr19:54,123,842, T>G. VCF-style: chr19-54123842-T-G. GRCh37 (hg19) VCF-style: chr19-54627221-T-G.
Other names: short protein forms Y207*.
Identifiers: ClinVar variation 4724833 (VCV004724833.1).

ClinVar aggregate classification (germline): Pathogenic (1 of 4 stars; one submission).

Submission:

Labcorp Genetics (formerly Invitae), Labcorp
Classification: Pathogenic. Last evaluated: 2025-08-10. Review status: criteria provided, single submitter. Criteria: Invitae Variant Classification Sherloc (09022015). Collection method: clinical testing. Allele origin: germline.
Comment: This sequence change creates a premature translational stop signal (p.Tyr207*) in the PRPF31 gene. It is expected to result in an absent or disrupted protein product. Loss-of-function variants in PRPF31 are known to be pathogenic (PMID: 18317597, 23950152). This variant is not present in population databases (gnomAD no frequency). This variant has not been reported in the literature in individuals affected with PRPF31-related conditions. For these reasons, this variant has been classified as Pathogenic.

Literature cited by the submitters: PubMed 18317597; PubMed 23950152.